The following is an entry in ClinVar:

ClinVar aggregate classification (germline): Uncertain significance. Review status: criteria provided, multiple submitters, no conflicts (2 of 4 stars). 6 submissions from 6 submitters: Uncertain significance (6). Last evaluated 2025-12-29.

Conditions:
Hereditary cancer-predisposing syndrome. Also called: Neoplastic Syndromes, Hereditary; Hereditary Cancer Syndrome; Tumor predisposition; Hereditary neoplastic syndrome. Identifiers: Orphanet 140162, MedGen C0027672, MeSH D009386, MONDO:0015356.
Ataxia-telangiectasia syndrome (AT). Also called: Ataxia-telangiectasia, complementation group D; AT, COMPLEMENTATION GROUP C; Ataxia-telangiectasia; ATAXIA-TELANGIECTASIA, COMPLEMENTATION GROUP A; ATAXIA-TELANGIECTASIA, FRESNO VARIANT; Ataxia-telangiectasia, complementation group E. Identifiers: Orphanet 100, MedGen C0004135, MONDO:0008840, OMIM 208900.

Allele frequency attached by ClinVar (database versions not stated): TOPMed 0.00001; gnomAD exomes 0.00002; ExAC 0.00002; gnomAD 0.00003.
gnomAD v4.1: 21 of 1,612,796 alleles (0.0013%); highest among the groups gnomAD compares: Non-Finnish European, 0.0018%; no homozygotes.

Submissions (6):

Center for Genomic Medicine, Rigshospitalet, Copenhagen University Hospital
Classification: Uncertain significance. Last evaluated: 2025-12-29. Review status: criteria provided, single submitter. Criteria: ACMG Guidelines, 2015. Collection method: clinical testing. Allele origin: germline.
Comment: Classification criteria: BP4

Labcorp Genetics (formerly Invitae), Labcorp
Classification: Uncertain significance for Ataxia-telangiectasia syndrome. Last evaluated: 2025-11-18. Review status: criteria provided, single submitter. Criteria: Invitae Variant Classification Sherloc (09022015). Collection method: clinical testing. Allele origin: germline.
Comment: This sequence change replaces proline, which is neutral and non-polar, with serine, which is neutral and polar, at codon 1922 of the ATM protein (p.Pro1922Ser). This variant is present in population databases (rs587781865, gnomAD 0.004%). This variant has not been reported in the literature in individuals affected with ATM-related conditions. ClinVar contains an entry for this variant (Variation ID: 141596). An algorithm developed to predict the effect of missense changes on protein structure and function outputs the following: PolyPhen-2: "Benign". The serine amino acid residue is found in multiple mammalian species, which suggests that this missense change does not adversely affect protein function. In summary, the available evidence is currently insufficient to determine the role of this variant in disease. Therefore, it has been classified as a Variant of Uncertain Significance.

Color Diagnostics, LLC DBA Color Health
Classification: Uncertain significance for Hereditary cancer-predisposing syndrome. Last evaluated: 2025-08-11. Review status: criteria provided, single submitter. Criteria: ACMG Guidelines, 2015. Collection method: clinical testing. Allele origin: germline.
Comment: This missense variant replaces proline with serine at codon 1922 of the ATM protein. Computational prediction suggests that this variant may not impact protein structure and function. To our knowledge, functional studies have not been reported for this variant. This variant has been reported in individuals affected with breast cancer (PMID: 33471991Color Health internal data). This variant has been identified in 5/281906 chromosomes in the general population by the Genome Aggregation Database (gnomAD). The available evidence is insufficient to determine the role of this variant in disease conclusively. Therefore, this variant is classified as a Variant of Uncertain Significance.

GeneDx
Classification: Uncertain significance. Last evaluated: 2025-02-25. Review status: criteria provided, single submitter. Criteria: GeneDx Variant Classification Process June 2021. Collection method: clinical testing. Allele origin: germline. Affected: yes.
Comment: Not observed at significant frequency in large population cohorts (gnomAD); In silico analysis supports that this missense variant has a deleterious effect on protein structure/function; Observed in individuals with breast cancer (PMID: 33471991); This variant is associated with the following publications: (PMID: 33471991)

Ambry Genetics
Classification: Uncertain significance for Hereditary cancer-predisposing syndrome. Last evaluated: 2024-12-17. Review status: criteria provided, single submitter. Criteria: Ambry Variant Classification Scheme 2023. Collection method: clinical testing. Allele origin: germline.
Comment: The p.P1922S variant (also known as c.5764C>T), located in coding exon 38 of the ATM gene, results from a C to T substitution at nucleotide position 5764. The proline at codon 1922 is replaced by serine, an amino acid with similar properties. This amino acid position is not well conserved in available vertebrate species. In addition, this alteration is predicted to be tolerated by in silico analysis. Based on the available evidence, the clinical significance of this variant remains unclear.

Genetic Services Laboratory, University of Chicago
Classification: Uncertain significance. Last evaluated: 2019-12-09. Review status: criteria provided, single submitter. Criteria: ACMG Guidelines, 2015. Collection method: clinical testing. Allele origin: germline. Affected: no.

Literature cited by the submitters: PubMed 33471991 (cited by Color Diagnostics, LLC DBA Color Health).

NM_000051.4(ATM):c.5764C>T (p.Pro1922Ser)

Genes: ATM (ATM serine/threonine kinase; plus strand), C11orf65 (chromosome 11 open reading frame 65; minus strand). Cytogenetic location: 11q22.3.
Variant type: single nucleotide variant.
Coding change: c.5764C>T on transcript NM_000051.4 (MANE Select); coding-DNA position 5764, C replaced by T.
Protein change: p.Pro1922Ser; replaces proline 1922 with serine.
Molecular consequence: missense variant. On other transcripts: intron variant (2).
Genome position (GRCh38, 1-based): chr11:108,310,161, C>T. VCF-style: chr11-108310161-C-T. GRCh37 (hg19) VCF-style: chr11-108180888-C-T.
Other names: c.*39-1090G>A (NM_001351110.2); c.5764C>T, p.Pro1922Ser (NM_001351834.2); c.641-1090G>A (NM_001330368.2); short protein forms P1922S.
Identifiers: ClinVar variation 141596 (VCV000141596.29), dbSNP rs587781865, ClinGen allele CA165894.
Genomic context (GRCh38, chr11:108,310,161, plus strand): 5'-TTTTATTTTGATATTGAAGTTTAAAAAAGTGAATGACATTATATCTCATTTTTCTTTAGA[C>T]CTTCTTCAGGAACAATTTTTAATGATGCTTTCTGGCTGGATTTAAATTATCTAGAAGTTG-3'
Protein context (NP_000042.3, residues 1912-1932): VVDYMRRQKR[Pro1922Ser]SSGTIFNDAF